The following is an entry in ClinVar:

NM_078629.4(MSL3):c.1040C>G (p.Ser347Cys)

Gene: MSL3 (MSL complex subunit 3; plus strand). Cytogenetic location: Xp22.2.
Variant type: single nucleotide variant.
Coding change: c.1040C>G on transcript NM_078629.4 (MANE Select); coding-DNA position 1040, C replaced by G.
Protein change: p.Ser347Cys; replaces serine 347 with cysteine.
Molecular consequence: missense variant.
Genome position (GRCh38, 1-based): chrX:11,765,598, C>G. VCF-style: chrX-11765598-C-G. GRCh37 (hg19) VCF-style: chrX-11783717-C-G.
Other names: c.1004C>G, p.Ser335Cys (NM_001193270.2); c.593C>G, p.Ser198Cys (NM_001282174.1); c.542C>G, p.Ser181Cys (NM_006800.4); c.1040C>G, p.Ser347Cys (NM_078628.2); short protein forms S181C, S198C, S335C, S347C.
Identifiers: ClinVar variation 1302329 (VCV001302329.2), dbSNP rs2147247389, ClinGen allele CA412066047.

ClinVar aggregate classification (germline): Uncertain significance (1 of 4 stars; one submission).

Submission:

GeneDx
Classification: Uncertain significance. Last evaluated: 2019-06-10. Review status: criteria provided, single submitter. Criteria: GeneDx Variant Classification Process June 2021. Collection method: clinical testing. Allele origin: germline. Affected: yes.
Comment: Not observed in large population cohorts (Lek et al., 2016); In silico analysis, which includes protein predictors and evolutionary conservation, supports that this variant does not alter protein structure/function; Has not been previously published as pathogenic or benign to our knowledge